The following is an entry in ClinVar:

NM_153240.5(NPHP3):c.176C>T (p.Ser59Leu)

Genes: NPHP3 (nephrocystin 3; minus strand), NPHP3-ACAD11 (NPHP3-ACAD11 readthrough (NMD candidate); minus strand), NPHP3-AS1 (NPHP3 antisense RNA 1; plus strand), LOC129937586 (ATAC-STARR-seq lymphoblastoid silent region 14743; plus strand). Cytogenetic location: 3q22.1.
Variant type: single nucleotide variant.
Coding change: c.176C>T on transcript NM_153240.5 (MANE Select); coding-DNA position 176, C replaced by T.
Protein change: p.Ser59Leu; replaces serine 59 with leucine.
Molecular consequence: missense variant. On other transcripts: non-coding transcript variant (3).
Genome position (GRCh38, 1-based): chr3:132,722,180, G>A on the plus strand (C>T on the coding strand, the complement: NPHP3 is on the minus strand). VCF-style: chr3-132722180-G-A. GRCh37 (hg19) VCF-style: chr3-132441024-G-A.
Other names: short protein forms S59L.
Identifiers: ClinVar variation 2585009 (VCV002585009.1), dbSNP rs1451081466, ClinGen allele CA354589495.

ClinVar aggregate classification (germline): Uncertain significance (1 of 4 stars; one submission).

Conditions:
Renal-hepatic-pancreatic dysplasia 1 (RHPD1). Identifiers: MedGen C3715199, MONDO:0008833, OMIM 208540.

Allele frequency attached by ClinVar (database versions not stated): TOPMed below 0.00001.
gnomAD v4.1: 1 of 1,530,978 alleles (0.000065%); highest among the groups gnomAD compares: South Asian, 0.0012%; no homozygotes.

Submission:

Neuberg Centre For Genomic Medicine, NCGM
Classification: Uncertain significance for Renal-hepatic-pancreatic dysplasia 1. Review status: criteria provided, single submitter. Criteria: ACMG Guidelines, 2015. Collection method: clinical testing. Allele origin: germline. Inheritance: Autosomal recessive inheritance. Affected: yes.
Comment: The missense variant c.176C>T (p.Ser59Leu) in NPHP3 gene has not been reported previously as a pathogenic variant nor as a benign variant, to our knowledge. The p.Ser59Leu variant is novel (not in any individuals) in gnomAD exomes and 1000 Genomes. This variant has not been reported to the ClinVar database. The amino acid Ser at position 59 is changed to a Leu changing protein sequence and it might alter its composition and physico-chemical properties. For these reasons, this variant has been classified as Uncertain Significance (VUS).